The following is an entry in ClinVar:

ClinVar aggregate classification (germline): Conflicting classifications of pathogenicity. Review status: criteria provided, conflicting classifications (1 of 4 stars). 4 submissions from 4 submitters: Pathogenic (1); Likely pathogenic (2); Uncertain significance (1). Last evaluated 2025-06-11.

Conditions:
Primary familial dilated cardiomyopathy (FDC). Also called: Familial dilated cardiomyopathy; Hypokinetic dilated cardiomyopathy, familial. Identifiers: Orphanet 217607, MedGen C0340427, MONDO:0016333.
Dilated cardiomyopathy 1G (CMD1G). Identifiers: Orphanet 154, MedGen C1858763, MONDO:0011400, OMIM 604145.
Autosomal recessive limb-girdle muscular dystrophy type 2J (LGMDR10). Also called: MUSCULAR DYSTROPHY, LIMB-GIRDLE, AUTOSOMAL RECESSIVE 10; Limb-girdle muscular dystrophy, type 2J. Identifiers: Orphanet 140922, MedGen C1837342, MONDO:0012127, OMIM 608807.

Allele frequency attached by ClinVar (database versions not stated): gnomAD exomes below 0.00001; TOPMed 0.00001; gnomAD 0.00003 and 0.00004.
gnomAD v4.1: 6 of 1,552,606 alleles (0.00039%); highest among the groups gnomAD compares: African/African-American, 0.0084%; no homozygotes.

Submissions (4):

GeneDx
Classification: Likely pathogenic. Last evaluated: 2025-06-11. Review status: criteria provided, single submitter. Criteria: GeneDx Variant Classification Process June 2021. Collection method: clinical testing. Allele origin: germline. Affected: yes.
Comment: Not observed at significant frequency in large population cohorts (gnomAD); Canonical splice site variant in a gene or region of a gene for which loss of function is not a well-established mechanism of disease; This variant is associated with the following publications: (PMID: 38849547)

Women's Health and Genetics/Laboratory Corporation of America, LabCorp
Classification: Likely pathogenic for Primary familial dilated cardiomyopathy. Last evaluated: 2025-01-16. Review status: criteria provided, single submitter. Criteria: LabCorp Variant Classification Summary - May 2015. Collection method: clinical testing. Allele origin: germline.
Comment: Variant summary: TTN NM_133378:c.32705-1G>A (also known as NM_001267550:c.40409-1G>A) is located in a canonical splice-site and is predicted to affect mRNA splicing resulting in a significantly altered protein due to either exon skipping, shortening, or inclusion of intronic material. Variants that disrupt the consensus splice site are a relatively common cause of aberrant splicing and loss of TTN function. Loss of function variants in all TTN bands are strongly associated with a spectrum of autosomal recessive titinopathies when exon expression (proportion spliced in, PSI, 1=complete expression) in skeletal muscle is >0.1 (PMID: 36977548, 39198997, 29598826, 32778822, 29691892, 33449170, 36977548, internal data). In contrast, loss of function variants in all TTN bands are only strongly associated with autosomal dominant TTN-related cardiomyopathies if located in exons constitutively expressed (PSI >0.9) in cardiac muscle, excluding extreme C-terminal exons 359-363 (PMID: 25589632, 31216868, 32964742, 34662387, 27869827, Shetty et al., Nat Cardiovasc Res 2024,, internal data). This variant has a maximum skeletal muscle PSI of 0.605 and a maximum cardiac muscle PSI of 0.030. Several computational tools predict a significant impact on normal splicing: Two predict the variant abolishes a 3' acceptor site. One predicts the variant creates a 3' acceptor site. However, these predictions have yet to be confirmed by functional studies. The variant was absent in 172782 control chromosomes. This variant has been reported in the presumed compound heterozygous state with a de facto LP nonsense variant in at least 1 individual in the literature with personal history of SIDS (e.g. Cazzato_2024), however the limited phenotypic information and the presence of potential alternate causative variants in this individual complicated the interpretation of c.32705-1G>A in this case. To our knowledge, no experimental evidence demonstrating its impact on protein function have been reported. The following publication has been ascertained in the context of this evaluation (PMID: 38849547). ClinVar contains an entry for this variant (Variation ID: 1300332). Based on the evidence outlined above, the variant was classified as likely pathogenic for autosomal recessive TTN-related conditions.

Labcorp Genetics (formerly Invitae), Labcorp
Classification: Pathogenic for Dilated cardiomyopathy 1G; Autosomal recessive limb-girdle muscular dystrophy type 2J. Last evaluated: 2024-10-28. Review status: criteria provided, single submitter. Criteria: Invitae Variant Classification Sherloc (09022015). Collection method: clinical testing. Allele origin: germline.
Comment: This sequence change affects an acceptor splice site in intron 217 of the TTN gene. It is expected to disrupt RNA splicing and likely results in a truncated or disrupted TTN protein. This variant is present in population databases (no rsID available, gnomAD 0.01%). Disruption of this splice site has been observed in individual(s) with autosomal recessive congenital myopathy (internal data). In at least one individual the data is consistent with being in trans (on the opposite chromosome) from a pathogenic variant. ClinVar contains an entry for this variant (Variation ID: 1300332). Algorithms developed to predict the effect of sequence changes on RNA splicing suggest that this variant may disrupt the consensus splice site. This variant is located in the I band of TTN (PMID: 25589632). Truncating variants in this region have been reported in individuals affected with autosomal recessive centronuclear myopathy (PMID: 23975875, internal data). Truncating variants in this region have also been identified in individuals affected with autosomal dominant dilated cardiomyopathy and/or cardio-related conditions (PMID: 27869827, 32964742, internal data). For these reasons, this variant has been classified as Pathogenic.

AiLife Diagnostics
Classification: Uncertain significance. Last evaluated: 2022-02-21. Review status: criteria provided, single submitter. Criteria: ACMG Guidelines, 2015. Collection method: clinical testing. Allele origin: germline. Affected: yes. Observed: 1 variant allele.

Literature cited by the submitters: PubMed 38849547 (cited by Women's Health and Genetics/Laboratory Corporation of America, LabCorp); PubMed 25589632 (cited by Labcorp Genetics (formerly Invitae), Labcorp); PubMed 23975875 (cited by Labcorp Genetics (formerly Invitae), Labcorp); PubMed 27869827 (cited by Labcorp Genetics (formerly Invitae), Labcorp); PubMed 32964742 (cited by Labcorp Genetics (formerly Invitae), Labcorp).

NM_001267550.2(TTN):c.40409-1G>A

Gene: TTN (titin; minus strand). Cytogenetic location: 2q31.2.
Variant type: single nucleotide variant.
Coding change: c.40409-1G>A on transcript NM_001267550.2 (MANE Select); the canonical splice acceptor site of the intron before coding-DNA position 40409, G replaced by A.
Molecular consequence: splice acceptor variant. On other transcripts: intron variant (3).
Genome position (GRCh38, 1-based): chr2:178,644,617, C>T on the plus strand (G>A on the coding strand, the complement: TTN is on the minus strand). VCF-style: chr2-178644617-C-T. GRCh37 (hg19) VCF-style: chr2-179509344-C-T.
Other names: c.13283-2300G>A (NM_003319.4); c.13859-2300G>A (NM_133437.4); c.13658-2300G>A (NM_133432.3); c.32705-1G>A (NM_133378.4); c.35486-1G>A (NM_001256850.1).
Identifiers: ClinVar variation 1300332 (VCV001300332.13), dbSNP rs1285884266, ClinGen allele CA349438465.
Genomic context (GRCh38, chr2:178,644,617, plus strand): 5'-GTGTAAGCTCCACTTTTTCTGGAACCTGAGGTTTTTCAGGAACTTTCTTCTTTGGAATAG[C>T]TTTAAAGAATATGATTTTACTTTTGTTATTTGTATATTTAATCTGAAGCAAGTGATTAAC-3'